The following is an entry in ClinVar:

NM_178452.6(DNAAF1):c.2049_2056del (p.Ala684fs)

Gene: DNAAF1 (dynein axonemal assembly factor 1; plus strand). Cytogenetic location: 16q24.1.
Variant type: Deletion.
Coding change: c.2049_2056del on transcript NM_178452.6 (MANE Select); coding-DNA positions 2049 to 2056, 8 bases deleted (TGCAGCCT; older notation c.2049_2056delTGCAGCCT).
Protein change: p.Ala684fs; shifts the reading frame from alanine 684.
Molecular consequence: frameshift variant.
Genome position (GRCh38, 1-based): chr16:84,176,283-84,176,290, TGCAGCCT deleted; deleting any 8 consecutive bases within chr16:84,176,280-84,176,290 gives the same sequence; the c. name uses the placement nearest the transcript's 3' end. VCF-style (leftmost placement, unchanged base first): chr16-84176279-TCCTTGCAG-T. GRCh37 (hg19) VCF-style: chr16-84209885-TCCTTGCAG-T.
Other names: c.1341_1348del, p.Ala448fs (NM_001318756.1); short protein forms A448fs, A684fs.
Identifiers: ClinVar variation 1275741 (VCV001275741.1), dbSNP rs1567570991, ClinGen allele CA919756859.

ClinVar aggregate classification (germline): Uncertain significance (1 of 4 stars; one submission).

Conditions:
Primary ciliary dyskinesia 13. Also called: CILIARY DYSKINESIA, PRIMARY, 13, WITH OR WITHOUT SITUS INVERSUS. Identifiers: Orphanet 244, MedGen C2750790, MONDO:0013174, OMIM 613193.

Submission:

Johns Hopkins Genomics, Johns Hopkins University
Classification: Uncertain significance for Primary ciliary dyskinesia 13. Last evaluated: 2021-08-23. Review status: criteria provided, single submitter. Criteria: ACMG Guidelines, 2015. Collection method: clinical testing. Allele origin: germline.
Comment: This DNAAF1 variant is rare (<0.1%) in a large population dataset (gnomAD: 1/250774 total alleles; 0.0004%; no homozygotes) and has not been reported in ClinVar nor the literature, to our knowledge. This frameshift variant is predicted to lead to a premature stop codon in the last exon of the gene, likely escaping nonsense-mediated decay and resulting in a truncated protein product. We consider the clinical significance of DNAAF1 c.2049_2056del to be uncertain at this time.